The following is an entry in ClinVar:

NM_001378615.1(CC2D2A):c.466C>T (p.Gln156Ter)

Genes: CC2D2A (coiled-coil and C2 domain containing 2A; plus strand), FBXL5 (F-box and leucine rich repeat protein 5; minus strand). Cytogenetic location: 4p15.32.
Variant type: single nucleotide variant.
Coding change: c.466C>T on transcript NM_001378615.1 (MANE Select); coding-DNA position 466, C replaced by T.
Protein change: p.Gln156Ter; replaces glutamine 156 with a stop codon.
Molecular consequence: nonsense.
Genome position (GRCh38, 1-based): chr4:15,510,166, C>T. VCF-style: chr4-15510166-C-T. GRCh37 (hg19) VCF-style: chr4-15511789-C-T.
Other names: c.466C>T, p.Gln156Ter (NM_001080522.2); c.319C>T, p.Gln107Ter (NM_001378617.1); short protein forms Q107*, Q156*.
Identifiers: ClinVar variation 5015597 (VCV005015597.1).
Genomic context (GRCh38, chr4:15,510,166, plus strand): 5'-TGGTTTATCTATCATTTTTTTCCACTCATATAGCCAGGGAAAGAGGTAGAAAGGACTCAA[C>T]AAGAAGTTGACTCCCAAAGTTACTCAAGAGTCAAGTTCCATGATTCTGCACGAAAAATCA-3'

ClinVar aggregate classification (germline): Pathogenic (1 of 4 stars; one submission).

Conditions:
Joubert syndrome and related disorders. Identifiers: Orphanet 140874, MedGen C5679612, MONDO:0015369.

Submission:

Myriad Genetics, Inc.
Classification: Pathogenic for Joubert syndrome and related disorders. Last evaluated: 2026-02-23. Review status: criteria provided, single submitter. Criteria: Myriad Autosomal Dominant, Autosomal Recessive and X-Linked Classification Criteria (2023). Collection method: clinical testing. Allele origin: unknown.
Comment: NM_001080522.2(CC2D2A):c.466C>T(Q156*) is expected to be pathogenic in the context of CC2D2A-related disorders. This variant is predicted to lead to an abnormal or absent protein product due to the creation of a premature termination codon in CC2D2A, a gene where loss-of-function variants are known to be pathogenic. Please note: this variant was assessed in the context of healthy population screening.